The following is an entry in ClinVar:

Single allele

Genes: CRIP1 (cysteine rich protein 1; plus strand), IGH (immunoglobulin heavy locus; minus strand), IGHA1 (immunoglobulin heavy constant alpha 1; minus strand), IGHA2 (immunoglobulin heavy constant alpha 2 (A2m marker); minus strand), IGHD (immunoglobulin heavy constant delta; minus strand) and 10 more. Cytogenetic location: 14q32.33.
Variant type: Duplication.
Identifiers: ClinVar variation 157324 (VCV000157324.2).

ClinVar aggregate classification (germline): not provided (0 of 4 stars; one submission).

Conditions:
Gestational diabetes mellitus uncontrolled. Identifiers: MedGen C3532257.

Submission:

Institute of Molecular and Cell Biology, University of Tartu
No classification provided. Condition: Gestational diabetes mellitus uncontrolled. Review status: no classification provided. Collection method: case-control. Allele origin: unknown. Affected: yes. Study: Kasak2014.
Comment: The study aimed to determine the contribution of copy number variants in the genetic etiology of normal and complicated pregnancies. The samples represented (i) maternal blood DNA drawn from healthy pregnant women during 1st or 2nd trimester and (ii) maternal and paternal blood DNA drawn at term pregnancy cases representing normal and complicated gestations (severe preeclampsia, PE; gestational diabetes, GD; small-for-gestational age newborn, SGA; large-for-gestational age newborn, LGA). We performed CNV calling based on genome-wide genotyping dataset (Illumina HumanOmniExpress-24-v1 BeadChip) by applying three algorithms, QuantiSNP, GADA (Genome Alteration Detection Algorithm) and CNstream in parallel. The acquired CNV calls were merged with HD-CNV (Hotspot Detector for Copy Number Variants) program and only the CNVs predicted by at least two programs, were considered in subsequent analysis.

Literature cited by the submitters: PubMed 25666259.